The following is an entry in ClinVar:

NM_000278.5(PAX2):c.1021+233A>T

Gene: PAX2 (paired box 2; plus strand). Cytogenetic location: 10q24.31.
Variant type: single nucleotide variant.
Coding change: c.1021+233A>T on transcript NM_000278.5 (MANE Select); 233 bases into the intron after coding-DNA position 1021, A replaced by T.
Molecular consequence: intron variant. On other transcripts: missense variant (1).
Genome position (GRCh38, 1-based): chr10:100,824,982, A>T. VCF-style: chr10-100824982-A-T. GRCh37 (hg19) VCF-style: chr10-102584739-A-T.
Other names: c.1102A>T, p.Thr368Ser (NM_003988.5); c.1114+233A>T (NM_001304569.2); c.1090+233A>T (NM_003987.5, NM_003990.5); c.1021+233A>T (NM_003989.5); short protein forms T368S.
Identifiers: ClinVar variation 157678 (VCV000157678.11), dbSNP rs606231415, ClinGen allele CA345958.

ClinVar aggregate classification (germline): Uncertain significance. Review status: criteria provided, single submitter (1 of 4 stars). 2 submissions from 2 submitters: Uncertain significance (1). 1 of the submissions does not count toward it. Last evaluated 2024-01-19.

Conditions:
Focal segmental glomerulosclerosis 7 (FSGS7). Identifiers: Orphanet 656, MedGen C4014925, MONDO:0014451, OMIM 616002.
Renal coloboma syndrome (PAPRS). Also called: COLOBOMA OF OPTIC NERVE WITH RENAL DISEASE; PAPILLORENAL SYNDROME; PAPILLORENAL SYNDROME WITH MILD OCULAR ABNORMALITIES; CONGENITAL ANOMALIES OF THE KIDNEY AND URINARY TRACT WITH OR WITHOUT OCULAR ABNORMALITIES; CAKUT WITH OR WITHOUT OCULAR ABNORMALITIES; OPTIC COLOBOMA, VESICOURETERAL REFLUX, AND RENAL ANOMALIES. Identifiers: Orphanet 1475, MedGen C1852759, MONDO:0007352, OMIM 120330.

Allele frequency attached by ClinVar (database versions not stated): gnomAD exomes below 0.00001; gnomAD 0.00001; TOPMed below 0.00001.
gnomAD v4.1: 7 of 1,613,206 alleles (0.00043%); highest among the groups gnomAD compares: Non-Finnish European, 0.00059%; no homozygotes.

Submissions (2):

Labcorp Genetics (formerly Invitae), Labcorp
Classification: Uncertain significance for Renal coloboma syndrome; Focal segmental glomerulosclerosis 7. Last evaluated: 2024-01-19. Review status: criteria provided, single submitter. Criteria: Invitae Variant Classification Sherloc (09022015). Collection method: clinical testing. Allele origin: germline.
Comment: This sequence change replaces threonine, which is neutral and polar, with serine, which is neutral and polar, at codon 368 of the PAX2 protein (p.Thr368Ser). This variant is not present in population databases (gnomAD no frequency). This missense change has been observed in individual(s) with clinical features of PAX2-related conditions (PMID: 22213154). ClinVar contains an entry for this variant (Variation ID: 157678). An algorithm developed to predict the effect of missense changes on protein structure and function (PolyPhen-2) suggests that this variant is likely to be tolerated. In summary, the available evidence is currently insufficient to determine the role of this variant in disease. Therefore, it has been classified as a Variant of Uncertain Significance.

GeneReviews
No classification provided. Condition: Renal coloboma syndrome. Review status: no classification provided. Collection method: literature only. Allele origin: germline. Affected: yes. Not counted in ClinVar's aggregate classification.

Literature cited by the submitters: PubMed 22213154 (cited by Labcorp Genetics (formerly Invitae), Labcorp); NCBI Bookshelf NBK1451 (cited by GeneReviews).